The following is an entry in ClinVar:

ClinVar aggregate classification (germline): Uncertain significance (1 of 4 stars; one submission).

Submission:

Labcorp Genetics (formerly Invitae), Labcorp
Classification: Uncertain significance. Last evaluated: 2025-06-23. Review status: criteria provided, single submitter. Criteria: Invitae Variant Classification Sherloc (09022015). Collection method: clinical testing. Allele origin: germline.
Comment: This sequence change replaces glycine, which is neutral and non-polar, with glutamic acid, which is acidic and polar, at codon 403 of the GALNT3 protein (p.Gly403Glu). This variant is not present in population databases (gnomAD no frequency). This variant has not been reported in the literature in individuals affected with GALNT3-related conditions. ClinVar contains an entry for this variant (Variation ID: 1021675). Invitae Evidence Modeling of protein sequence and biophysical properties (such as structural, functional, and spatial information, amino acid conservation, physicochemical variation, residue mobility, and thermodynamic stability) has been performed for this missense variant. However, the output from this modeling did not meet the statistical confidence thresholds required to predict the impact of this variant on GALNT3 protein function. In summary, the available evidence is currently insufficient to determine the role of this variant in disease. Therefore, it has been classified as a Variant of Uncertain Significance.

NM_004482.4(GALNT3):c.1208G>A (p.Gly403Glu)

Gene: GALNT3 (polypeptide N-acetylgalactosaminyltransferase 3; minus strand). Cytogenetic location: 2q24.3.
Variant type: single nucleotide variant.
Coding change: c.1208G>A on transcript NM_004482.4 (MANE Select); coding-DNA position 1208, G replaced by A.
Protein change: p.Gly403Glu; replaces glycine 403 with glutamic acid.
Molecular consequence: missense variant.
Genome position (GRCh38, 1-based): chr2:165,757,231, C>T on the plus strand (G>A on the coding strand, the complement: GALNT3 is on the minus strand). VCF-style: chr2-165757231-C-T. GRCh37 (hg19) VCF-style: chr2-166613741-C-T.
Other names: short protein forms G403E.
Identifiers: ClinVar variation 1021675 (VCV001021675.8), dbSNP rs1558995691, ClinGen allele CA349035348.